The following is an entry in ClinVar:

NM_001111125.3(IQSEC2):c.1498G>T (p.Glu500Ter)

Gene: IQSEC2 (IQ motif and Sec7 domain ArfGEF 2; minus strand). Cytogenetic location: Xp11.22.
Variant type: single nucleotide variant.
Coding change: c.1498G>T on transcript NM_001111125.3 (MANE Select); coding-DNA position 1498, G replaced by T.
Protein change: p.Glu500Ter; replaces glutamic acid 500 with a stop codon.
Molecular consequence: nonsense.
Genome position (GRCh38, 1-based): chrX:53,251,078, C>A on the plus strand (G>T on the coding strand, the complement: IQSEC2 is on the minus strand). VCF-style: chrX-53251078-C-A. GRCh37 (hg19) VCF-style: chrX-53280260-C-A.
Other names: c.1498G>T, p.Glu500Ter (NM_001410736.1); c.883G>T, p.Glu295Ter (NM_015075.2); short protein forms E295*, E500*.
Identifiers: ClinVar variation 2692878 (VCV002692878.3), dbSNP rs202076203, ClinGen allele CA413166143.

ClinVar aggregate classification (germline): Pathogenic (1 of 4 stars; one submission).

Conditions:
Intellectual developmental disorder, X-linked 1. Also called: MENTAL RETARDATION, X-LINKED 18; MENTAL RETARDATION, X-LINKED 78; Atkin Flaitz Patil Smith syndrome; Intellectual disability, X-linked 1. Identifiers: Orphanet 777, MedGen C2931498, MONDO:0010656, OMIM 309530.

Submission:

Labcorp Genetics (formerly Invitae), Labcorp
Classification: Pathogenic for Intellectual developmental disorder, X-linked 1. Last evaluated: 2023-06-05. Review status: criteria provided, single submitter. Criteria: Invitae Variant Classification Sherloc (09022015). Collection method: clinical testing. Allele origin: germline.
Comment: For these reasons, this variant has been classified as Pathogenic. This variant has not been reported in the literature in individuals affected with IQSEC2-related conditions. This variant is not present in population databases (gnomAD no frequency). This sequence change creates a premature translational stop signal (p.Glu500*) in the IQSEC2 gene. It is expected to result in an absent or disrupted protein product. Loss-of-function variants in IQSEC2 are known to be pathogenic (PMID: 21686261, 26793055, 27665735).

Literature cited by the submitters: PubMed 21686261; PubMed 26793055; PubMed 27665735.